The following is an entry in ClinVar:

ClinVar aggregate classification (germline): Uncertain significance (1 of 4 stars; one submission).

Conditions:
Complex cortical dysplasia with other brain malformations 2. Identifiers: MedGen C3809013, MONDO:0014116, OMIM 615282.

Allele frequency attached by ClinVar (database versions not stated): gnomAD exomes below 0.00001.
gnomAD v4.1: 1 of 1,592,564 alleles (0.000063%); highest among the groups gnomAD compares: Non-Finnish European, 0.000086%; no homozygotes.

Submission:

Centre for Mendelian Genomics, University Medical Centre Ljubljana
Classification: Uncertain significance for Complex cortical dysplasia with other brain malformations 2. Last evaluated: 2019-04-05. Review status: criteria provided, single submitter. Criteria: ACMG Guidelines, 2015. Collection method: clinical testing. Allele origin: unknown. Affected: yes.
Comment: This variant was classified as: Uncertain significance. The available evidence on this variant's pathogenicity is insufficient or conflicting. The following ACMG criteria were applied in classifying this variant: PM2.

NM_004522.3(KIF5C):c.1716+9G>A

Gene: KIF5C (kinesin family member 5C; plus strand). Cytogenetic location: 2q23.1.
Variant type: single nucleotide variant.
Coding change: c.1716+9G>A on transcript NM_004522.3 (MANE Select); 9 bases into the intron after coding-DNA position 1716, G replaced by A.
Molecular consequence: intron variant.
Genome position (GRCh38, 1-based): chr2:148,983,775, G>A. VCF-style: chr2-148983775-G-A. GRCh37 (hg19) VCF-style: chr2-149840289-G-A.
Identifiers: ClinVar variation 930842 (VCV000930842.3), dbSNP rs1681300053, ClinGen allele CA1139657232.